The following is an entry in ClinVar:

NM_002497.4(NEK2):c.1273C>T (p.Gln425Ter)

Gene: NEK2 (NIMA related kinase 2; minus strand). Cytogenetic location: 1q32.3.
Variant type: single nucleotide variant.
Coding change: c.1273C>T on transcript NM_002497.4 (MANE Select); coding-DNA position 1273, C replaced by T.
Protein change: p.Gln425Ter; replaces glutamine 425 with a stop codon.
Molecular consequence: nonsense. On other transcripts: intron variant (1).
Genome position (GRCh38, 1-based): chr1:211,663,491, G>A on the plus strand (C>T on the coding strand, the complement: NEK2 is on the minus strand). VCF-style: chr1-211663491-G-A. GRCh37 (hg19) VCF-style: chr1-211836833-G-A.
Other names: c.1111+3615C>T (NM_001204182.2); short protein forms Q425*.
Identifiers: ClinVar variation 1518076 (VCV001518076.6), dbSNP rs2102438574, ClinGen allele CA344773582.

ClinVar aggregate classification (germline): Uncertain significance (1 of 4 stars; one submission).

Submission:

Labcorp Genetics (formerly Invitae), Labcorp
Classification: Uncertain significance. Last evaluated: 2021-03-21. Review status: criteria provided, single submitter. Criteria: Invitae Variant Classification Sherloc (09022015). Collection method: clinical testing. Allele origin: germline.
Comment: In summary, the available evidence is currently insufficient to determine the role of this variant in disease. Therefore, it has been classified as a Variant of Uncertain Significance. This variant has not been reported in the literature in individuals with NEK2-related conditions. This variant is not present in population databases (ExAC no frequency). This sequence change creates a premature translational stop signal (p.Gln425*) in the NEK2 gene. While this is not anticipated to result in nonsense mediated decay, it is expected to disrupt the last 21 amino acid(s) of the NEK2 protein.